The following is an entry in ClinVar:

ClinVar aggregate classification (germline): Uncertain significance (1 of 4 stars; one submission).

Conditions:
MEGF8-related Carpenter syndrome. Also called: Carpenter syndrome 2. Identifiers: Orphanet 65759, MedGen C3554247, MONDO:0013998, OMIM 614976.

Submission:

Labcorp Genetics (formerly Invitae), Labcorp
Classification: Uncertain significance for MEGF8-related Carpenter syndrome. Last evaluated: 2019-04-19. Review status: criteria provided, single submitter. Criteria: Invitae Variant Classification Sherloc (09022015). Collection method: clinical testing. Allele origin: germline.
Comment: This variant has not been reported in the literature in individuals with MEGF8-related conditions. This sequence change replaces glutamine with histidine at codon 2014 of the MEGF8 protein (p.Gln2014His). The glutamine residue is highly conserved and there is a small physicochemical difference between glutamine and histidine. This variant is not present in population databases (ExAC no frequency). Algorithms developed to predict the effect of missense changes on protein structure and function output the following: SIFT: "Deleterious"; PolyPhen-2: "Benign"; Align-GVGD: "Class C0". The histidine amino acid residue is found in multiple mammalian species, suggesting that this missense change does not adversely affect protein function. These predictions have not been confirmed by published functional studies and their clinical significance is uncertain. In summary, the available evidence is currently insufficient to determine the role of this variant in disease. Therefore, it has been classified as a Variant of Uncertain Significance.

NM_001271938.2(MEGF8):c.6243G>C (p.Gln2081His)

Gene: MEGF8 (multiple EGF like domains 8; plus strand). Cytogenetic location: 19q13.2.
Variant type: single nucleotide variant.
Coding change: c.6243G>C on transcript NM_001271938.2 (MANE Select); coding-DNA position 6243, G replaced by C.
Protein change: p.Gln2081His; replaces glutamine 2081 with histidine.
Molecular consequence: missense variant.
Genome position (GRCh38, 1-based): chr19:42,363,232, G>C. VCF-style: chr19-42363232-G-C. GRCh37 (hg19) VCF-style: chr19-42867384-G-C.
Other names: c.6042G>C, p.Gln2014His (NM_001410.3); short protein forms Q2081H, Q2014H.
Identifiers: ClinVar variation 952346 (VCV000952346.9), dbSNP rs1399203080, ClinGen allele CA406130687.